The following is an entry in ClinVar:

ClinVar aggregate classification (germline): Benign. Review status: reviewed by expert panel (3 of 4 stars). 23 submissions from 21 submitters: Benign (1). 22 of the submissions do not count toward it. Last evaluated 2025-11-11.

Conditions:
Myosin storage myopathy (CMYO7A). Also called: MYOPATHY WITH LYSIS OF TYPE I MYOFIBRILS; MYOPATHY, HYALINE BODY, AUTOSOMAL DOMINANT; SCAPULOPERONEAL MUSCULAR DYSTROPHY; SCAPULOPERONEAL SYNDROME, MYOPATHIC TYPE; MYH7-related late-onset scapuloperoneal muscular dystrophy; Congenital myopathy 7A, myosin storage, autosomal dominant. Identifiers: Orphanet 437572, Orphanet 636965, MedGen C1842160, MONDO:0008409, OMIM 608358.
Cardiomyopathy (CMYO). Also called: Cardiomyopathies. Identifiers: Orphanet 167848, MedGen C0878544, MONDO:0004994, HP:0001638. Inheritance: Various modes of inheritance.
Hypertrophic cardiomyopathy 1 (CMH1). Also called: Familial hypertrophic cardiomyopathy 1; MYH7-Related Familial Hypertrophic Cardiomyopathy. Identifiers: MedGen C3495498, MONDO:0008647, OMIM 192600.
MYH7-related skeletal myopathy. Also called: Myopathy, distal, 1; Laing distal myopathy; MYOPATHY, DISTAL, EARLY-ONSET, AUTOSOMAL DOMINANT; MYOPATHY, LATE DISTAL HEREDITARY; Laing early-onset distal myopathy. Identifiers: Orphanet 59135, MedGen C4552004, MONDO:0008050, OMIM 160500.
Hypertrophic cardiomyopathy. Also called: HYPERTROPHIC MYOCARDIOPATHY. Identifiers: Orphanet 217569, MedGen C0007194, MeSH D002312, MONDO:0005045, HP:0001639.

Allele frequency attached by ClinVar (database versions not stated): 1000 Genomes Project 0.00080; ExAC 0.00083; 1000 Genomes Project 30x 0.00109; gnomAD 0.00170 and 0.00178; TOPMed 0.00191; ESP Exome Variant Server 0.00231; gnomAD exomes 0.00054 and 0.00069.
gnomAD v4.1: 1,060 of 1,614,128 alleles (0.066%); highest among the groups gnomAD compares: African/African-American, 0.48%; 1 homozygote.

Submissions (23):

ClinGen Cardiomyopathy Variant Curation Expert Panel
Classification: Benign for Hypertrophic cardiomyopathy. Last evaluated: 2025-11-11. Review status: reviewed by expert panel. Criteria: ClinGen CMP ACMG Specifications v1. Collection method: curation. Allele origin: germline. Inheritance: Autosomal dominant inheritance.
Comment: The filtering allele frequency of the c.480C>T (p.Asn160=) variant in the MYH7 gene is 0.37% (49/10406) of African chromosomes by the Exome Aggregation Consortium, which is a high enough frequency to be classified as benign based on thresholds defined by the ClinGen Inherited Cardiomyopathy Expert Panel (BA1; PMID:29300372).

Labcorp Genetics (formerly Invitae), Labcorp
Classification: Benign for Hypertrophic cardiomyopathy. Last evaluated: 2026-02-04. Review status: criteria provided, single submitter. Criteria: Invitae Variant Classification Sherloc (09022015). Collection method: clinical testing. Allele origin: germline. Not counted in ClinVar's aggregate classification.

CeGaT Center for Human Genetics Tuebingen
Classification: Likely benign. Last evaluated: 2025-07-01. Review status: criteria provided, single submitter. Criteria: CeGaT Center For Human Genetics Tuebingen Variant Classification Criteria Version 2. Collection method: clinical testing. Allele origin: germline. Affected: yes. Observed: 8 variant alleles. Not counted in ClinVar's aggregate classification.
Comment: MYH7: BP4, BP7

Blueprint Genetics
Classification: Likely benign. Last evaluated: 2024-11-21. Review status: criteria provided, single submitter. Criteria: ACMG Guidelines, 2015. Collection method: clinical testing. Allele origin: germline. Not counted in ClinVar's aggregate classification.

All of Us Research Program, National Institutes of Health
Classification: Benign for Cardiomyopathy. Last evaluated: 2024-02-05. Review status: criteria provided, single submitter. Criteria: ACMG Guidelines, 2015. Collection method: clinical testing. Allele origin: germline. Inheritance: Autosomal dominant inheritance. Observed: 156 variant alleles, 155 heterozygotes, 1 homozygote. Not counted in ClinVar's aggregate classification.
Comment: This study involves interpretation of variants in research participants for the purpose of population health screening. Participant phenotype was not available at the time of variant classification. Additional details can be found in publication PMID: 35346344, PMCID: PMC8962531

Women's Health and Genetics/Laboratory Corporation of America, LabCorp
Classification: Likely benign. Last evaluated: 2021-11-29. Review status: criteria provided, single submitter. Criteria: LabCorp Variant Classification Summary - May 2015. Collection method: clinical testing. Allele origin: germline. Not counted in ClinVar's aggregate classification.

Molecular Diagnostic Laboratory for Inherited Cardiovascular Disease, Montreal Heart Institute
Classification: Benign. Last evaluated: 2020-05-28. Review status: criteria provided, single submitter. Criteria: ACMG Guidelines, 2015. Collection method: clinical testing. Allele origin: germline. Affected: yes. Not counted in ClinVar's aggregate classification.

Mayo Clinic Laboratories, Mayo Clinic
Classification: Benign. Last evaluated: 2018-05-31. Review status: criteria provided, single submitter. Criteria: ACMG Guidelines, 2015. Collection method: clinical testing. Allele origin: germline. Observed: 5 variant alleles. Not counted in ClinVar's aggregate classification.

Color Diagnostics, LLC DBA Color Health
Classification: Benign for Cardiomyopathy. Last evaluated: 2018-04-20. Review status: criteria provided, single submitter. Criteria: ACMG Guidelines, 2015. Collection method: clinical testing. Allele origin: germline. Not counted in ClinVar's aggregate classification.

Illumina Laboratory Services, Illumina
Classification: Likely benign for Myosin storage myopathy. Last evaluated: 2018-01-13. Review status: criteria provided, single submitter. Criteria: ICSL Variant Classification Criteria 13 December 2019. Collection method: clinical testing. Allele origin: germline. Not counted in ClinVar's aggregate classification.
Comment: This variant was observed in the ICSL laboratory as part of a predisposition screen in an ostensibly healthy population. It had not been previously curated by ICSL or reported in the Human Gene Mutation Database (HGMD: prior to June 1st, 2018), and was therefore a candidate for classification through an automated scoring system. Utilizing variant allele frequency, disease prevalence and penetrance estimates, and inheritance mode, an automated score was calculated to assess if this variant is too frequent to cause the disease. Based on the score and internal cut-off values, a variant classified as likely benign is not then subjected to further curation. The score for this variant resulted in a classification of likely benign for this disease.

Illumina Laboratory Services, Illumina
Classification: Likely benign for Hypertrophic cardiomyopathy 1. Last evaluated: 2018-01-13. Review status: criteria provided, single submitter. Criteria: ICSL Variant Classification Criteria 13 December 2019. Collection method: clinical testing. Allele origin: germline. Not counted in ClinVar's aggregate classification.
Comment: the same text as in the submission from Illumina Laboratory Services, Illumina above.

Illumina Laboratory Services, Illumina
Classification: Benign for MYH7-related skeletal myopathy. Last evaluated: 2018-01-13. Review status: criteria provided, single submitter. Criteria: ICSL Variant Classification Criteria 13 December 2019. Collection method: clinical testing. Allele origin: germline. Not counted in ClinVar's aggregate classification.
Comment: This variant was observed in the ICSL laboratory as part of a predisposition screen in an ostensibly healthy population. It had not been previously curated by ICSL or reported in the Human Gene Mutation Database (HGMD: prior to June 1st, 2018), and was therefore a candidate for classification through an automated scoring system. Utilizing variant allele frequency, disease prevalence and penetrance estimates, and inheritance mode, an automated score was calculated to assess if this variant is too frequent to cause the disease. Based on the score and internal cut-off values, a variant classified as benign is not then subjected to further curation. The score for this variant resulted in a classification of benign for this disease.

ARUP Laboratories, Molecular Genetics and Genomics, ARUP Laboratories
Classification: Benign. Last evaluated: 2017-09-29. Review status: criteria provided, single submitter. Criteria: ARUP Molecular Germline Variant Investigation Process. Collection method: clinical testing. Allele origin: germline. Not counted in ClinVar's aggregate classification.

GeneDx
Classification: Benign. Last evaluated: 2015-03-03. Review status: criteria provided, single submitter. Criteria: GeneDx Variant Classification Process June 2021. Collection method: clinical testing. Allele origin: germline. Affected: yes. Not counted in ClinVar's aggregate classification.

Laboratory for Molecular Medicine, Mass General Brigham Personalized Medicine
Classification: Benign. Last evaluated: 2013-01-10. Review status: criteria provided, single submitter. Criteria: LMM Criteria. Collection method: clinical testing. Allele origin: germline. Observed: 7 variant alleles. Not counted in ClinVar's aggregate classification.
Comment: Asn160Asn in exon 5 of MYH7: This variant is not expected to have clinical signi ficance because it does not alter an amino acid residue, is not located within t he splice consensus sequence and has been identified in 0.5% (24/4406) of Africa n American chromosomes from a broad population by the NHLBI Exome Sequencing Pro ject (dbSNP rs45500700). Asn160Asn in exon 5 of MYH7 (rs45500700; allele frequency = 0.5%, 24/4406) **

Breakthrough Genomics
Classification: Benign. Review status: criteria provided, single submitter. Criteria: ACMG Guidelines, 2015. Collection method: not provided. Allele origin: germline. Inheritance: Autosomal recessive inheritance. Affected: yes. Not counted in ClinVar's aggregate classification.

PreventionGenetics, part of Exact Sciences
Classification: Benign. Review status: criteria provided, single submitter. Criteria: ACMG Guidelines, 2015. Collection method: clinical testing. Allele origin: germline. Not counted in ClinVar's aggregate classification.

Clinical Genetics DNA and cytogenetics Diagnostics Lab, Erasmus MC, Erasmus Medical Center
Classification: Benign. Review status: no assertion criteria provided. Collection method: clinical testing. Allele origin: germline. Affected: yes. Study: VKGL Data-share Consensus. Not counted in ClinVar's aggregate classification.

Clinical Genetics, Academic Medical Center
Classification: Benign. Review status: no assertion criteria provided. Collection method: clinical testing. Allele origin: germline. Affected: yes. Study: VKGL Data-share Consensus. Not counted in ClinVar's aggregate classification.

Diagnostic Laboratory, Department of Genetics, University Medical Center Groningen
Classification: Likely benign. Review status: no assertion criteria provided. Collection method: clinical testing. Allele origin: germline. Affected: yes. Study: VKGL Data-share Consensus. Not counted in ClinVar's aggregate classification.

Genome Diagnostics Laboratory, University Medical Center Utrecht
Classification: Benign. Review status: no assertion criteria provided. Collection method: clinical testing. Allele origin: germline. Affected: yes. Study: VKGL Data-share Consensus. Not counted in ClinVar's aggregate classification.

Joint Genome Diagnostic Labs from Nijmegen and Maastricht, Radboudumc and MUMC+
Classification: Benign. Review status: no assertion criteria provided. Collection method: clinical testing. Allele origin: germline. Affected: yes. Study: VKGL Data-share Consensus. Not counted in ClinVar's aggregate classification.

Laboratory of Diagnostic Genome Analysis, Leiden University Medical Center (LUMC)
Classification: Likely benign. Review status: no assertion criteria provided. Collection method: clinical testing. Allele origin: germline. Affected: yes. Study: VKGL Data-share Consensus. Not counted in ClinVar's aggregate classification.

Literature cited by the submitters: PubMed 29300372 (cited by ClinGen Cardiomyopathy Variant Curation Expert Panel); PubMed 12974739 (cited by Women's Health and Genetics/Laboratory Corporation of America, LabCorp).

NM_000257.4(MYH7):c.480C>T (p.Asn160=)

Gene: MYH7 (myosin heavy chain 7; minus strand). Cytogenetic location: 14q11.2.
Variant type: single nucleotide variant.
Coding change: c.480C>T on transcript NM_000257.4 (MANE Select); coding-DNA position 480, C replaced by T.
Protein change: p.Asn160=; no amino-acid change (asparagine 160 retained).
Molecular consequence: synonymous variant.
Genome position (GRCh38, 1-based): chr14:23,432,661, G>A on the plus strand (C>T on the coding strand, the complement: MYH7 is on the minus strand). VCF-style: chr14-23432661-G-A. GRCh37 (hg19) VCF-style: chr14-23901870-G-A.
Other names: NM_000257.3(MYH7):c.480C>T.
Identifiers: ClinVar variation 43038 (VCV000043038.68), dbSNP rs45500700, ClinGen allele CA015335.